The following is an entry in ClinVar:

ClinVar aggregate classification (germline): Likely benign (1 of 4 stars; one submission).

Submission:

CeGaT Center for Human Genetics Tuebingen
Classification: Likely benign. Last evaluated: 2023-01-01. Review status: criteria provided, single submitter. Criteria: CeGaT Center For Human Genetics Tuebingen Variant Classification Criteria Version 2. Collection method: clinical testing. Allele origin: germline. Affected: yes. Observed: 1 variant allele.
Comment: NBPF14: BP4, BS2

Single allele

Gene: NBPF14 (NBPF member 14; minus strand). Cytogenetic location: 1q21.2.
Variant type: single nucleotide variant.
Identifiers: ClinVar variation 2639136 (VCV002639136.19), dbSNP rs75510304, ClinGen allele CA1067636.